The following is an entry in ClinVar:

ClinVar aggregate classification (germline): Benign/Likely benign. Review status: criteria provided, multiple submitters, no conflicts (2 of 4 stars). 3 submissions from 3 submitters: Benign (1); Likely benign (2). Last evaluated 2025-01-14.

Conditions:
Hereditary nonpolyposis colorectal neoplasms. Identifiers: MedGen C0009405, MeSH D003123.
Hereditary cancer-predisposing syndrome. Also called: Tumor predisposition; Hereditary neoplastic syndrome; Hereditary Cancer Syndrome; Neoplastic Syndromes, Hereditary. Identifiers: Orphanet 140162, MedGen C0027672, MeSH D009386, MONDO:0015356.
Lynch syndrome 5 (LYNCH5). Also called: Hereditary non-polyposis colorectal cancer, type 5; Colorectal cancer, hereditary nonpolyposis, type 5. Identifiers: Orphanet 144, MedGen C1833477, MONDO:0013710, OMIM 614350. Disease mechanism: loss of function.

Submissions (3):

Labcorp Genetics (formerly Invitae), Labcorp
Classification: Likely benign for Hereditary nonpolyposis colorectal neoplasms. Last evaluated: 2025-01-14. Review status: criteria provided, single submitter. Criteria: Invitae Variant Classification Sherloc (09022015). Collection method: clinical testing. Allele origin: germline.

Myriad Genetics, Inc.
Classification: Benign for Lynch syndrome 5. Last evaluated: 2024-12-30. Review status: criteria provided, single submitter. Criteria: Myriad Autosomal Dominant, Autosomal Recessive and X-Linked Classification Criteria (2023). Collection method: clinical testing. Allele origin: unknown.
Comment: This variant is considered benign. This variant is a silent/synonymous amino acid change and it is not expected to impact splicing.

Ambry Genetics
Classification: Likely benign for Hereditary cancer-predisposing syndrome. Last evaluated: 2024-02-23. Review status: criteria provided, single submitter. Criteria: Ambry Variant Classification Scheme 2023. Collection method: clinical testing. Allele origin: germline.

NM_000179.3(MSH6):c.2274A>C (p.Leu758=)

Gene: MSH6 (mutS homolog 6; plus strand). Cytogenetic location: 2p16.3.
Variant type: single nucleotide variant.
Coding change: c.2274A>C on transcript NM_000179.3 (MANE Select); coding-DNA position 2274, A replaced by C.
Protein change: p.Leu758=; no amino-acid change (leucine 758 retained).
Molecular consequence: synonymous variant.
Genome position (GRCh38, 1-based): chr2:47,800,257, A>C. VCF-style: chr2-47800257-A-C. GRCh37 (hg19) VCF-style: chr2-48027396-A-C.
Other names: c.2274A>C (NM_000179.2); c.1884A>C, p.Leu628= (NM_001281492.2); c.1368A>C, p.Leu456= (NM_001281493.2, NM_001281494.2).
Identifiers: ClinVar variation 1099482 (VCV001099482.11), dbSNP rs2104397710, ClinGen allele CA426121408.